The following is an entry in ClinVar:

ClinVar aggregate classification (germline): Uncertain significance. Review status: criteria provided, multiple submitters, no conflicts (2 of 4 stars). 3 submissions from 3 submitters: Uncertain significance (3). Last evaluated 2025-11-10.

Conditions:
Idiopathic Pulmonary Fibrosis. Also called: Idiopathic fibrosing alveolitis, chronic form; idiopathic fibrosing alveolitis. Identifiers: Orphanet 2032, MedGen C1800706, MeSH D054990, MONDO:0800504.
Dyskeratosis congenita, autosomal dominant 2. Identifiers: MedGen C3151443, MONDO:0013521, OMIM 613989.
Dyskeratosis congenita. Identifiers: Orphanet 1775, MedGen C0265965, MONDO:0015780.

Allele frequency attached by ClinVar (database versions not stated): gnomAD exomes 0.00001; TOPMed 0.00001; ExAC 0.00007.
gnomAD v4.1: 13 of 1,585,724 alleles (0.00082%); highest among the groups gnomAD compares: Middle Eastern, 0.022%; no homozygotes.

Submissions (3):

Labcorp Genetics (formerly Invitae), Labcorp
Classification: Uncertain significance for Dyskeratosis congenita, autosomal dominant 2; Idiopathic Pulmonary Fibrosis. Last evaluated: 2025-11-10. Review status: criteria provided, single submitter. Criteria: Invitae Variant Classification Sherloc (09022015). Collection method: clinical testing. Allele origin: germline.
Comment: This sequence change replaces arginine, which is basic and polar, with histidine, which is basic and polar, at codon 696 of the TERT protein (p.Arg696His). The frequency data for this variant in the population databases is considered unreliable, as metrics indicate poor data quality at this position in the gnomAD database. This variant has not been reported in the literature in individuals affected with TERT-related conditions. ClinVar contains an entry for this variant (Variation ID: 640773). Invitae Evidence Modeling of protein sequence and biophysical properties (such as structural, functional, and spatial information, amino acid conservation, physicochemical variation, residue mobility, and thermodynamic stability) indicates that this missense variant is not expected to disrupt TERT protein function with a negative predictive value of 95%. In summary, the available evidence is currently insufficient to determine the role of this variant in disease. Therefore, it has been classified as a Variant of Uncertain Significance.

Ambry Genetics
Classification: Uncertain significance for Dyskeratosis congenita. Last evaluated: 2024-12-09. Review status: criteria provided, single submitter. Criteria: Ambry Variant Classification Scheme 2023. Collection method: clinical testing. Allele origin: germline.
Comment: The p.R696H variant (also known as c.2087G>A), located in coding exon 5 of the TERT gene, results from a G to A substitution at nucleotide position 2087. The arginine at codon 696 is replaced by histidine, an amino acid with highly similar properties. This amino acid position is conserved. In addition, this alteration is predicted to be tolerated by in silico analysis. Based on the available evidence, the clinical significance of this variant remains unclear.

CeGaT Center for Human Genetics Tuebingen
Classification: Uncertain significance. Last evaluated: 2024-04-01. Review status: criteria provided, single submitter. Criteria: CeGaT Center For Human Genetics Tuebingen Variant Classification Criteria Version 2. Collection method: clinical testing. Allele origin: germline. Affected: yes. Observed: 1 variant allele.
Comment: TERT: PM2

NM_198253.3(TERT):c.2087G>A (p.Arg696His)

Gene: TERT (telomerase reverse transcriptase; minus strand). Cytogenetic location: 5p15.33.
Variant type: single nucleotide variant.
Coding change: c.2087G>A on transcript NM_198253.3 (MANE Select); coding-DNA position 2087, G replaced by A.
Protein change: p.Arg696His; replaces arginine 696 with histidine.
Molecular consequence: missense variant. On other transcripts: non-coding transcript variant (2).
Genome position (GRCh38, 1-based): chr5:1,279,334, C>T on the plus strand (G>A on the coding strand, the complement: TERT is on the minus strand). VCF-style: chr5-1279334-C-T. GRCh37 (hg19) VCF-style: chr5-1279449-C-T.
Other names: c.2087G>A, p.Arg696His (NM_001193376.3); short protein forms R696H.
Identifiers: ClinVar variation 640773 (VCV000640773.30), dbSNP rs756152343, ClinGen allele CA3184674.
Genomic context (GRCh38, chr5:1,279,334, plus strand): 5'-GGGTCCCCGGCACCCACCTTGACAAAGTACAGCTCAGGCGGCGGGTCCTGGGCCCGCACA[C>T]GCAGCACGAAGGTGCGCCAGGCCCTGTGGATATCGTCCAGGCCCAGCACAGAGGCGCCCA-3'
Protein context (NP_937983.2, residues 686-706): IHRAWRTFVL[Arg696His]VRAQDPPPEL